The following is an entry in ClinVar:

ClinVar aggregate classification (germline): Uncertain significance (1 of 4 stars; one submission).

Conditions:
Retinitis pigmentosa 13 (RP13). Also called: PRPF 8-Related Retinitis Pigmentosa. Identifiers: Orphanet 791, MedGen C1838702, MONDO:0010806, OMIM 600059.

Allele frequency attached by ClinVar (database versions not stated): gnomAD exomes below 0.00001; TOPMed below 0.00001; ExAC 0.00001.

Submission:

Centre for Mendelian Genomics, University Medical Centre Ljubljana
Classification: Uncertain significance for Retinitis pigmentosa 13. Last evaluated: 2020-03-21. Review status: criteria provided, single submitter. Criteria: ACMG Guidelines, 2015. Collection method: clinical testing. Allele origin: unknown. Affected: yes.
Comment: This variant was classified as: Uncertain significance. The available evidence on this variant's pathogenicity is insufficient or conflicting. The following ACMG criteria were applied in classifying this variant: PM2,PP3.

NM_006445.4(PRPF8):c.104G>T (p.Arg35Leu)

Gene: PRPF8 (pre-mRNA processing factor 8; minus strand). Cytogenetic location: 17p13.3.
Variant type: single nucleotide variant.
Coding change: c.104G>T on transcript NM_006445.4 (MANE Select); coding-DNA position 104, G replaced by T.
Protein change: p.Arg35Leu; replaces arginine 35 with leucine.
Molecular consequence: missense variant.
Genome position (GRCh38, 1-based): chr17:1,683,698, C>A on the plus strand (G>T on the coding strand, the complement: PRPF8 is on the minus strand). VCF-style: chr17-1683698-C-A. GRCh37 (hg19) VCF-style: chr17-1586992-C-A.
Other names: short protein forms R35L.
Identifiers: ClinVar variation 930837 (VCV000930837.3), dbSNP rs774010147, ClinGen allele CA8272708.